The following is an entry in ClinVar:

NM_001040108.2(MLH3):c.2018A>T (p.Lys673Ile)

Gene: MLH3 (mutL homolog 3; minus strand). Cytogenetic location: 14q24.3.
Variant type: single nucleotide variant.
Coding change: c.2018A>T on transcript NM_001040108.2 (MANE Select); coding-DNA position 2018, A replaced by T.
Protein change: p.Lys673Ile; replaces lysine 673 with isoleucine.
Molecular consequence: missense variant.
Genome position (GRCh38, 1-based): chr14:75,047,638, T>A on the plus strand (A>T on the coding strand, the complement: MLH3 is on the minus strand). VCF-style: chr14-75047638-T-A. GRCh37 (hg19) VCF-style: chr14-75514341-T-A.
Other names: c.2018A>T, p.Lys673Ile (NM_014381.3); short protein forms K673I.
Identifiers: ClinVar variation 3873527 (VCV003873527.1).
Genomic context (GRCh38, chr14:75,047,638, plus strand): 5'-ATTGTATAAGTTGCTGTAGGTTCATTCTCTAGCCCATAACTTATATTCGTTCTGCAATTT[T>A]TTTTGTTGGGCAATTGACCAGATTCTTTACTTAAAGTGCTGGCTAAATCTTTGATGTCTG-3'
Protein context (NP_001035197.1, residues 663-683): SKESGQLPNK[Lys673Ile]NCRTNISYGL

ClinVar aggregate classification (germline): Uncertain significance (1 of 4 stars; one submission).

Submission:

Ambry Genetics
Classification: Uncertain significance. Last evaluated: 2025-02-16. Review status: criteria provided, single submitter. Criteria: Ambry Variant Classification Scheme 2023. Collection method: clinical testing. Allele origin: germline.
Comment: The p.K673I variant (also known as c.2018A>T), located in coding exon 1 of the MLH3 gene, results from an A to T substitution at nucleotide position 2018. The lysine at codon 673 is replaced by isoleucine, an amino acid with dissimilar properties. This amino acid position is conserved. In addition, this alteration is predicted to be tolerated by in silico analysis. Based on the available evidence, the clinical significance of this variant remains unclear.